The following is an entry in ClinVar:

ClinVar aggregate classification (germline): Uncertain significance. Review status: criteria provided, multiple submitters, no conflicts (2 of 4 stars). 4 submissions from 4 submitters: Uncertain significance (4). Last evaluated 2025-10-02.

Conditions:
Hereditary cancer-predisposing syndrome. Also called: Tumor predisposition; Hereditary neoplastic syndrome; Neoplastic Syndromes, Hereditary; Hereditary Cancer Syndrome. Identifiers: Orphanet 140162, MedGen C0027672, MeSH D009386, MONDO:0015356.

Allele frequency attached by ClinVar (database versions not stated): TOPMed 0.00001.
gnomAD v4.1: 5 of 1,614,216 alleles (0.00031%); highest among the groups gnomAD compares: Non-Finnish European, 0.00042%; no homozygotes.

Submissions (4):

Ambry Genetics
Classification: Uncertain significance for Hereditary cancer-predisposing syndrome. Last evaluated: 2025-10-02. Review status: criteria provided, single submitter. Criteria: Ambry Variant Classification Scheme 2023. Collection method: clinical testing. Allele origin: germline.
Comment: The p.A128D variant (also known as c.383C>A), located in coding exon 1 of the HOXB13 gene, results from a C to A substitution at nucleotide position 383. The alanine at codon 128 is replaced by aspartic acid, an amino acid with dissimilar properties. Functional studies indicate this alteration decreases apoptosis and promotes anchorage independent growth in vitro (Cardoso M et al. Oncoscience, 2016 Oct;3:288-296) although results between independent cell lines expressing the alteration were variable. This amino acid position is highly conserved in available vertebrate species. In addition, this alteration is predicted to be deleterious by in silico analysis. Based on the available evidence, the clinical significance of this variant remains unclear.

Labcorp Genetics (formerly Invitae), Labcorp
Classification: Uncertain significance. Last evaluated: 2025-07-09. Review status: criteria provided, single submitter. Criteria: Invitae Variant Classification Sherloc (09022015). Collection method: clinical testing. Allele origin: germline.
Comment: This sequence change replaces alanine, which is neutral and non-polar, with aspartic acid, which is acidic and polar, at codon 128 of the HOXB13 protein (p.Ala128Asp). This variant is present in population databases (no rsID available, gnomAD 0.003%). This missense change has been observed in individual(s) with prostate cancer (PMID: 26176944). ClinVar contains an entry for this variant (Variation ID: 824284). Invitae Evidence Modeling of protein sequence and biophysical properties (such as structural, functional, and spatial information, amino acid conservation, physicochemical variation, residue mobility, and thermodynamic stability) indicates that this missense variant is not expected to disrupt HOXB13 protein function with a negative predictive value of 80%. Experimental studies are conflicting or provide insufficient evidence to determine the effect of this variant on HOXB13 function (PMID: 28050579). In summary, the available evidence is currently insufficient to determine the role of this variant in disease. Therefore, it has been classified as a Variant of Uncertain Significance.

Blueprint Genetics
Classification: Uncertain significance. Last evaluated: 2024-10-16. Review status: criteria provided, single submitter. Criteria: ACMG Guidelines, 2015. Collection method: clinical testing. Allele origin: germline.

GeneDx
Classification: Uncertain significance. Last evaluated: 2023-10-19. Review status: criteria provided, single submitter. Criteria: GeneDx Variant Classification Process June 2021. Collection method: clinical testing. Allele origin: germline. Affected: yes.
Comment: Not observed at significant frequency in large population cohorts (gnomAD); In silico analysis supports that this missense variant has a deleterious effect on protein structure/function; Published functional studies demonstrate a decrease in apoptosis rate and promotion of anchorage-independent growth; however, these results are inconsistent between independent cell lines (Cardoso et al., 2016); Observed in individuals with prostate cancer who had family histories of prostate and other cancers (Maia et al., 2015); This variant is associated with the following publications: (PMID: 28798948, 34609407, 37511177, 29181843, 32708810, 32660704, 28050579, 26176944)

Literature cited by the submitters: PubMed 26176944 (cited by Ambry Genetics and Labcorp Genetics (formerly Invitae), Labcorp); PubMed 28050579 (cited by Ambry Genetics and Labcorp Genetics (formerly Invitae), Labcorp); PubMed 28798948 (cited by Ambry Genetics); PubMed 29181843 (cited by Ambry Genetics).

NM_006361.6(HOXB13):c.383C>A (p.Ala128Asp)

Gene: HOXB13 (homeobox B13; minus strand). Cytogenetic location: 17q21.32.
Variant type: single nucleotide variant.
Coding change: c.383C>A on transcript NM_006361.6 (MANE Select); coding-DNA position 383, C replaced by A.
Protein change: p.Ala128Asp; replaces alanine 128 with aspartic acid.
Molecular consequence: missense variant.
Genome position (GRCh38, 1-based): chr17:48,728,211, G>T on the plus strand (C>A on the coding strand, the complement: HOXB13 is on the minus strand). VCF-style: chr17-48728211-G-T. GRCh37 (hg19) VCF-style: chr17-46805573-G-T.
Other names: short protein forms A128D.
Identifiers: ClinVar variation 824284 (VCV000824284.15), dbSNP rs775273363, ClinGen allele CA400107573.